The following is an entry in ClinVar:

ClinVar aggregate classification (germline): Pathogenic. Review status: criteria provided, multiple submitters, no conflicts (2 of 4 stars). 3 submissions from 3 submitters: Pathogenic (3). Last evaluated 2025-06-23.

Conditions:
Neuromuscular disease caused by qualitative or quantitative defects of dysferlin. Also called: Qualitative or quantitative defects of dysferlin; Dysferlinopathy. Identifiers: Orphanet 207073, MedGen C2931687, MONDO:0016145.
Autosomal recessive limb-girdle muscular dystrophy type 2B (LGMDR2). Also called: MUSCULAR DYSTROPHY, LIMB-GIRDLE, TYPE 3; Limb-Girdle Muscular Dystrophy Type 2B (LGMD2B); MUSCULAR DYSTROPHY, LIMB-GIRDLE, AUTOSOMAL RECESSIVE 2; Limb-girdle muscular dystrophy, type 2B. Identifiers: Orphanet 268, MedGen C1850889, MONDO:0009676, OMIM 253601.

Submissions (3):

Natera, Inc.
Classification: Pathogenic for Limb-girdle muscular dystrophy type 2B. Last evaluated: 2025-06-23. Review status: criteria provided, single submitter. Criteria: Natera Variant Classification Schema (03/2026). Collection method: clinical testing. Allele origin: germline.
Comment: The c.5497G>T variant in DYSF is a nonsense variant predicted to introduce a stop codon at amino acid 1833. This variant is expected to result in nonsense mediated decay, truncation, or a dysfunctional protein product. This variant is rare in the general population with a frequency below the threshold expected for the associated phenotype(s). This variant has been observed in one or more individuals affected with the associated recessive disease, as either homozygous or compound heterozygous with a second variant (PMID: 20544924). Given the available evidence, this variant is classified as Pathogenic.

Labcorp Genetics (formerly Invitae), Labcorp
Classification: Pathogenic for Neuromuscular disease caused by qualitative or quantitative defects of dysferlin. Last evaluated: 2023-12-21. Review status: criteria provided, single submitter. Criteria: Invitae Variant Classification Sherloc (09022015). Collection method: clinical testing. Allele origin: germline.
Comment: This sequence change creates a premature translational stop signal (p.Glu1833*) in the DYSF gene. It is expected to result in an absent or disrupted protein product. Loss-of-function variants in DYSF are known to be pathogenic (PMID: 17698709, 20301480). This variant is not present in population databases (gnomAD no frequency). This premature translational stop signal has been observed in individual(s) with DYSF-related conditions (PMID: 33610434, 34559919). ClinVar contains an entry for this variant (Variation ID: 94339). Algorithms developed to predict the effect of sequence changes on RNA splicing suggest that this variant may disrupt the consensus splice site. For these reasons, this variant has been classified as Pathogenic.

Eurofins Ntd Llc (ga)
Classification: Pathogenic. Last evaluated: 2013-06-14. Review status: criteria provided, single submitter. Criteria: EGL Classification Definitions. Collection method: clinical testing. Allele origin: germline. Observed: 1 variant allele, 1 heterozygote.

Literature cited by the submitters: PubMed 20544924 (cited by Natera, Inc.); PubMed 17698709 (cited by Labcorp Genetics (formerly Invitae), Labcorp); PubMed 20301480 (cited by Labcorp Genetics (formerly Invitae), Labcorp); PubMed 33610434 (cited by Labcorp Genetics (formerly Invitae), Labcorp); PubMed 34559919 (cited by Labcorp Genetics (formerly Invitae), Labcorp).

NM_001130987.2(DYSF):c.5614G>T (p.Glu1872Ter)

Gene: DYSF (dysferlin; plus strand). Cytogenetic location: 2p13.2.
Variant type: single nucleotide variant.
Coding change: c.5614G>T on transcript NM_001130987.2 (MANE Select); coding-DNA position 5614, G replaced by T.
Protein change: p.Glu1872Ter; replaces glutamic acid 1872 with a stop codon.
Molecular consequence: nonsense.
Genome position (GRCh38, 1-based): chr2:71,669,179, G>T. VCF-style: chr2-71669179-G-T. GRCh37 (hg19) VCF-style: chr2-71896309-G-T.
Other names: c.5500G>T, p.Glu1834Ter (NM_001130455.2); c.5455G>T, p.Glu1819Ter (NM_001130976.2); c.5518G>T, p.Glu1840Ter (NM_001130977.2); c.5560G>T, p.Glu1854Ter (NM_001130978.2); c.5590G>T, p.Glu1864Ter (NM_001130979.2); c.5548G>T, p.Glu1850Ter (NM_001130980.2); c.5611G>T, p.Glu1871Ter (NM_001130981.2); c.5593G>T, p.Glu1865Ter (NM_001130982.2); and 5 more; short protein forms E1833*, E1854*, E1872*, E1819*, E1851*, E1855*, E1864*, E1865*.
Identifiers: ClinVar variation 94339 (VCV000094339.11), dbSNP rs201592500, ClinGen allele CA222188.